The following is an entry in ClinVar:

NM_001267550.2(TTN):c.96838C>T (p.Gln32280Ter)

Genes: TTN (titin; minus strand), TTN-AS1 (TTN antisense RNA 1; plus strand), LOC126806421 (CDK7 strongly-dependent group 2 enhancer GRCh37_chr2:179407630-179408829; plus strand). Cytogenetic location: 2q31.2.
Variant type: single nucleotide variant.
Coding change: c.96838C>T on transcript NM_001267550.2 (MANE Select); coding-DNA position 96838, C replaced by T.
Protein change: p.Gln32280Ter; replaces glutamine 32280 with a stop codon.
Molecular consequence: nonsense.
Genome position (GRCh38, 1-based): chr2:178,543,135, G>A on the plus strand (C>T on the coding strand, the complement: TTN is on the minus strand). VCF-style: chr2-178543135-G-A. GRCh37 (hg19) VCF-style: chr2-179407862-G-A.
Other names: c.91915C>T, p.Gln30639Ter (NM_001256850.1); c.69643C>T, p.Gln23215Ter (NM_003319.4); c.89134C>T, p.Gln29712Ter (NM_133378.4); c.70018C>T, p.Gln23340Ter (NM_133432.3); c.70219C>T, p.Gln23407Ter (NM_133437.4); short protein forms Q29712*, Q23215*, Q23340*, Q23407*, Q32280*, Q30639*.
Identifiers: ClinVar variation 1929281 (VCV001929281.7), dbSNP rs2468921958, ClinGen allele CA349445115.

ClinVar aggregate classification (germline): Likely pathogenic. Review status: criteria provided, multiple submitters, no conflicts (2 of 4 stars). 3 submissions from 3 submitters: Likely pathogenic (3). Last evaluated 2024-05-13.

Conditions:
Dilated cardiomyopathy 1G (CMD1G). Identifiers: Orphanet 154, MedGen C1858763, MONDO:0011400, OMIM 604145.
Autosomal recessive limb-girdle muscular dystrophy type 2J (LGMDR10). Also called: Limb-girdle muscular dystrophy, type 2J; MUSCULAR DYSTROPHY, LIMB-GIRDLE, AUTOSOMAL RECESSIVE 10. Identifiers: Orphanet 140922, MedGen C1837342, MONDO:0012127, OMIM 608807.
TTN-related disorder. Also called: TTN-related disorders; TTN-related condition; TTN-related disease.

Submissions (3):

Labcorp Genetics (formerly Invitae), Labcorp
Classification: Likely pathogenic for Dilated cardiomyopathy 1G; Autosomal recessive limb-girdle muscular dystrophy type 2J. Last evaluated: 2024-05-13. Review status: criteria provided, single submitter. Criteria: Invitae Variant Classification Sherloc (09022015). Collection method: clinical testing. Allele origin: germline.
Comment: This sequence change creates a premature translational stop signal (p.Gln32280*) in the TTN gene. While this is not anticipated to result in nonsense mediated decay, it is expected to create a truncated TTN protein. This variant is not present in population databases (gnomAD no frequency). This premature translational stop signal has been observed in individual(s) with dilated cardiomyopathy (PMID: 30847666; Invitae). This variant is also known as c.89134C>T (p.Gln29712*). ClinVar contains an entry for this variant (Variation ID: 1929281). This variant is located in the A band of TTN (PMID: 25589632). Truncating variants in this region are significantly overrepresented in patients affected with dilated cardiomyopathy (PMID: 25589632). Truncating variants in this region have also been reported in individuals affected with autosomal recessive centronuclear myopathy (PMID: 23975875). In summary, the currently available evidence indicates that the variant is pathogenic, but additional data are needed to prove that conclusively. Therefore, this variant has been classified as Likely Pathogenic.

Blueprint Genetics
Classification: Likely pathogenic for TTN-related disorders. Last evaluated: 2023-05-05. Review status: criteria provided, single submitter. Criteria: ACMG Guidelines, 2015. Collection method: clinical testing. Allele origin: germline. Affected: yes. Observed: 2 variant alleles.

GeneDx
Classification: Likely pathogenic. Last evaluated: 2022-10-20. Review status: criteria provided, single submitter. Criteria: GeneDx Variant Classification Process June 2021. Collection method: clinical testing. Allele origin: germline. Affected: yes.
Comment: Reported in association with dilated cardiomyopathy (van Lint et al., 2019); Not observed at significant frequency in large population cohorts (gnomAD); Located in the A-band region of TTN in which the majority of loss of function variants have been associated with autosomal dominant titinopathies (Herman et al., 2012); Nonsense variant predicted to result in protein truncation or nonsense mediated decay in a gene for which loss of function is a known mechanism of disease; This variant is associated with the following publications: (PMID: 22335739, 30847666)

Literature cited by the submitters: PubMed 30847666 (cited by Labcorp Genetics (formerly Invitae), Labcorp); PubMed 25589632 (cited by Labcorp Genetics (formerly Invitae), Labcorp); PubMed 23975875 (cited by Labcorp Genetics (formerly Invitae), Labcorp).